The following is an entry in ClinVar:

ClinVar aggregate classification (germline): Uncertain significance (1 of 4 stars; one submission).

Conditions:
Hypertrophic cardiomyopathy. Also called: HYPERTROPHIC MYOCARDIOPATHY. Identifiers: Orphanet 217569, MedGen C0007194, MeSH D002312, MONDO:0005045, HP:0001639.

Submission:

Labcorp Genetics (formerly Invitae), Labcorp
Classification: Uncertain significance for Hypertrophic cardiomyopathy. Last evaluated: 2017-08-18. Review status: criteria provided, single submitter. Criteria: Invitae Variant Classification Sherloc (09022015). Collection method: clinical testing. Allele origin: germline.
Comment: This variant has not been reported in the literature in individuals with TNNI3-related disease. In summary, the available evidence is currently insufficient to determine the role of this variant in disease. Therefore, it has been classified as a Variant of Uncertain Significance. Algorithms developed to predict the effect of missense changes on protein structure and function do not agree on the potential impact of this missense change (SIFT: "Deleterious"; PolyPhen-2: "Possibly Damaging"; Align-GVGD: "Class C15"). This variant is not present in population databases (ExAC no frequency). This sequence change replaces aspartic acid with valine at codon 108 of the TNNI3 protein (p.Asp108Val). The aspartic acid residue is highly conserved and there is a large physicochemical difference between aspartic acid and valine.

NM_000363.5(TNNI3):c.323A>T (p.Asp108Val)

Gene: TNNI3 (troponin I3, cardiac type; minus strand). Cytogenetic location: 19q13.42.
Variant type: single nucleotide variant.
Coding change: c.323A>T on transcript NM_000363.5 (MANE Select); coding-DNA position 323, A replaced by T.
Protein change: p.Asp108Val; replaces aspartic acid 108 with valine.
Molecular consequence: missense variant.
Genome position (GRCh38, 1-based): chr19:55,154,790, T>A on the plus strand (A>T on the coding strand, the complement: TNNI3 is on the minus strand). VCF-style: chr19-55154790-T-A. GRCh37 (hg19) VCF-style: chr19-55666158-T-A.
Other names: c.323A>T (LRG_432t1); short protein forms D108V.
Identifiers: ClinVar variation 525023 (VCV000525023.8), dbSNP rs1555863719, ClinGen allele CA407441073.